The following is an entry in ClinVar:

NM_004551.3(NDUFS3):c.568_569del (p.Asp190fs)

Gene: NDUFS3 (NADH:ubiquinone oxidoreductase core subunit S3; plus strand). Cytogenetic location: 11p11.2.
Variant type: Deletion.
Coding change: c.568_569del on transcript NM_004551.3 (MANE Select); coding-DNA positions 568 to 569, 2 bases deleted (GA; older notation c.568_569delGA).
Protein change: p.Asp190fs; shifts the reading frame from aspartic acid 190.
Molecular consequence: frameshift variant.
Genome position (GRCh38, 1-based): chr11:47,582,409-47,582,410, GA deleted; deleting any 2 consecutive bases within chr11:47,582,408-47,582,410 gives the same sequence; the c. name uses the placement nearest the transcript's 3' end. VCF-style (leftmost placement, unchanged base first): chr11-47582407-CAG-C. GRCh37 (hg19) VCF-style: chr11-47603959-CAG-C.
Other names: short protein forms D190fs.
Identifiers: ClinVar variation 214807 (VCV000214807.1), dbSNP rs863224107, ClinGen allele CA324884.

ClinVar aggregate classification (germline): Pathogenic (1 of 4 stars; one submission).

Submission:

GeneDx
Classification: Pathogenic. Last evaluated: 2012-05-02. Review status: criteria provided, single submitter. Criteria: GeneDx Variant Classification (06012015). Collection method: clinical testing. Allele origin: germline. Affected: yes.
Comment: p.Asp190LeufsX19; c.568_569delGA in exon 6 of the NDUFS3 gene (NM_004551.1). The c.568_569delGA mutation in the NDUFS3 gene causes a frameshift starting with codon Aspartic Acid 190, changes this amino acid to a Leucine residue and creates a premature Stop codon at position 19 of the new reading frame, denoted p.Asp190LeufsX19. This mutation is predicted to cause loss of normal protein function through protein truncation. Although this mutation has not been previously reported to our knowledge, it is expected to be a disease-associated mutation. The variant is found in MITONUC-MITOP panel(s).